The following is an entry in ClinVar:

ClinVar aggregate classification (germline): Benign/Likely benign. Review status: criteria provided, multiple submitters, no conflicts (2 of 4 stars). 3 submissions from 3 submitters: Benign (1); Likely benign (2). Last evaluated 2026-01-24.

Allele frequency attached by ClinVar (database versions not stated): gnomAD exomes 0.00016 and 0.00053; gnomAD 0.00021 and 0.00029; TOPMed 0.00038; ExAC 0.00055; 1000 Genomes Project 0.00140; 1000 Genomes Project 30x 0.00187.
gnomAD v4.1: 283 of 1,613,542 alleles (0.018%); highest among the groups gnomAD compares: East Asian, 0.51%; 2 homozygotes.

Submissions (3):

Labcorp Genetics (formerly Invitae), Labcorp
Classification: Benign. Last evaluated: 2026-01-24. Review status: criteria provided, single submitter. Criteria: Invitae Variant Classification Sherloc (09022015). Collection method: clinical testing. Allele origin: germline.

Blueprint Genetics
Classification: Likely benign. Last evaluated: 2023-10-12. Review status: criteria provided, single submitter. Criteria: ACMG Guidelines, 2015. Collection method: clinical testing. Allele origin: germline.

CeGaT Center for Human Genetics Tuebingen
Classification: Likely benign. Last evaluated: 2023-02-01. Review status: criteria provided, single submitter. Criteria: CeGaT Center For Human Genetics Tuebingen Variant Classification Criteria Version 2. Collection method: clinical testing. Allele origin: germline. Affected: yes. Observed: 1 variant allele.
Comment: CCDC88C: BP4, BP7

NM_001080414.4(CCDC88C):c.702C>T (p.Ala234=)

Gene: CCDC88C (coiled-coil and HOOK domain protein 88C; minus strand). Cytogenetic location: 14q32.11.
Variant type: single nucleotide variant.
Coding change: c.702C>T on transcript NM_001080414.4 (MANE Select); coding-DNA position 702, C replaced by T.
Protein change: p.Ala234=; no amino-acid change (alanine 234 retained).
Molecular consequence: synonymous variant.
Genome position (GRCh38, 1-based): chr14:91,339,385, G>A on the plus strand (C>T on the coding strand, the complement: CCDC88C is on the minus strand). VCF-style: chr14-91339385-G-A. GRCh37 (hg19) VCF-style: chr14-91805729-G-A.
Identifiers: ClinVar variation 724925 (VCV000724925.31), dbSNP rs188457701, ClinGen allele CA7310141.